The following is an entry in ClinVar:

ClinVar aggregate classification (germline): Pathogenic/Likely pathogenic. Review status: criteria provided, multiple submitters, no conflicts (2 of 4 stars). 2 submissions from 2 submitters: Pathogenic (1); Likely pathogenic (1). Last evaluated 2025-04-11.

Conditions:
Carnitine palmitoyltransferase II deficiency. Also called: Carnitine Palmitoyltransferase 2 Deficiency. Identifiers: Orphanet 157, MedGen C0342790, MONDO:0015515.

Submissions (2):

Natera, Inc.
Classification: Likely pathogenic for Carnitine palmitoyltransferase II deficiency. Last evaluated: 2025-04-11. Review status: criteria provided, single submitter. Criteria: Natera Variant Classification Schema (03/2026). Collection method: clinical testing. Allele origin: germline.
Comment: The c.595_596del variant in CPT2 is a frameshift variant predicted to shift the reading frame beginning at codon 199 and leads to a stop codon 34 codons downstream. This variant is expected to result in nonsense mediated decay, truncation, or a dysfunctional protein product. This variant is rare in the general population with a frequency below the threshold expected for the associated phenotype(s). Given the available evidence, this variant is classified as Likely Pathogenic.

Labcorp Genetics (formerly Invitae), Labcorp
Classification: Pathogenic for Carnitine palmitoyltransferase II deficiency. Last evaluated: 2024-09-14. Review status: criteria provided, single submitter. Criteria: Invitae Variant Classification Sherloc (09022015). Collection method: clinical testing. Allele origin: germline.
Comment: This sequence change creates a premature translational stop signal (p.Leu199Valfs*34) in the CPT2 gene. It is expected to result in an absent or disrupted protein product. Loss-of-function variants in CPT2 are known to be pathogenic (PMID: 16781677, 16996287). This variant is present in population databases (rs760981841, gnomAD 0.0009%). This variant has not been reported in the literature in individuals affected with CPT2-related conditions. For these reasons, this variant has been classified as Pathogenic.

Literature cited by the submitters: PubMed 16781677 (cited by Labcorp Genetics (formerly Invitae), Labcorp); PubMed 16996287 (cited by Labcorp Genetics (formerly Invitae), Labcorp).

NM_000098.3(CPT2):c.595_596del (p.Leu199fs)

Gene: CPT2 (carnitine palmitoyltransferase 2; plus strand). Cytogenetic location: 1p32.3.
Variant type: Microsatellite.
Coding change: c.595_596del on transcript NM_000098.3 (MANE Select); coding-DNA positions 595 to 596, 2 bases deleted (CT; older notation c.595_596delCT).
Protein change: p.Leu199fs; shifts the reading frame from leucine 199.
Molecular consequence: frameshift variant.
Genome position (GRCh38, 1-based): chr1:53,210,269-53,210,270, CT deleted; deleting any 2 consecutive bases within chr1:53,210,265-53,210,270 gives the same sequence; the c. name uses the placement nearest the transcript's 3' end. VCF-style (leftmost placement, unchanged base first): chr1-53210264-CCT-C. GRCh37 (hg19) VCF-style: chr1-53675936-CCT-C.
Other names: c.595_596del (NM_000098.2); c.595_596del, p.Leu199fs (NM_001330589.2); short protein forms L199fs.
Identifiers: ClinVar variation 3710133 (VCV003710133.4).